The following is an entry in ClinVar:

ClinVar aggregate classification (germline): Uncertain significance (1 of 4 stars; one submission).

Allele frequency attached by ClinVar (database versions not stated): gnomAD exomes below 0.00001; ExAC 0.00001; gnomAD 0.00001.
gnomAD v4.1: 5 of 1,613,538 alleles (0.00031%); highest among the groups gnomAD compares: South Asian, 0.0044%; no homozygotes.

Submission:

Labcorp Genetics (formerly Invitae), Labcorp
Classification: Uncertain significance. Last evaluated: 2024-01-04. Review status: criteria provided, single submitter. Criteria: Invitae Variant Classification Sherloc (09022015). Collection method: clinical testing. Allele origin: germline.
Comment: This sequence change replaces serine, which is neutral and polar, with cysteine, which is neutral and slightly polar, at codon 449 of the LRP5 protein (p.Ser449Cys). This variant is present in population databases (rs759951621, gnomAD 0.003%). This variant has not been reported in the literature in individuals affected with LRP5-related conditions. ClinVar contains an entry for this variant (Variation ID: 1391190). Advanced modeling of protein sequence and biophysical properties (such as structural, functional, and spatial information, amino acid conservation, physicochemical variation, residue mobility, and thermodynamic stability) performed at Invitae indicates that this missense variant is not expected to disrupt LRP5 protein function with a negative predictive value of 95%. In summary, the available evidence is currently insufficient to determine the role of this variant in disease. Therefore, it has been classified as a Variant of Uncertain Significance.

NM_002335.4(LRP5):c.1346C>G (p.Ser449Cys)

Gene: LRP5 (LDL receptor related protein 5; plus strand). Cytogenetic location: 11q13.2.
Variant type: single nucleotide variant.
Coding change: c.1346C>G on transcript NM_002335.4 (MANE Select); coding-DNA position 1346, C replaced by G.
Protein change: p.Ser449Cys; replaces serine 449 with cysteine.
Molecular consequence: missense variant. On other transcripts: 5 prime UTR variant (1).
Genome position (GRCh38, 1-based): chr11:68,386,646, C>G. VCF-style: chr11-68386646-C-G. GRCh37 (hg19) VCF-style: chr11-68154114-C-G.
Other names: c.-420C>G (NM_001291902.2); short protein forms S449C.
Identifiers: ClinVar variation 1391190 (VCV001391190.6), dbSNP rs759951621, ClinGen allele CA6149308.
Genomic context (GRCh38, chr11:68,386,646, plus strand): 5'-ACCTCTACTGGACCGACACGGGCACGGACCGCATCGAGGTGACGCGCCTCAACGGCACCT[C>G]CCGCAAGATCCTGGTGTCGGAGGACCTGGACGAGCCCCGAGCCATCGCACTGCACCCCGT-3'
Protein context (NP_002326.2, residues 439-459): RIEVTRLNGT[Ser449Cys]RKILVSEDLD